The following is an entry in ClinVar:

NM_020738.4(KIDINS220):c.644A>G (p.Tyr215Cys)

Gene: KIDINS220 (kinase D interacting substrate 220; minus strand). Cytogenetic location: 2p25.1.
Variant type: single nucleotide variant.
Coding change: c.644A>G on transcript NM_020738.4 (MANE Select); coding-DNA position 644, A replaced by G.
Protein change: p.Tyr215Cys; replaces tyrosine 215 with cysteine.
Molecular consequence: missense variant. On other transcripts: non-coding transcript variant (2).
Genome position (GRCh38, 1-based): chr2:8,803,087, T>C on the plus strand (A>G on the coding strand, the complement: KIDINS220 is on the minus strand). VCF-style: chr2-8803087-T-C. GRCh37 (hg19) VCF-style: chr2-8943217-T-C.
Other names: c.647A>G, p.Tyr216Cys (NM_001348729.2, NM_001348731.2, NM_001348734.2 and 3 more transcripts); c.644A>G, p.Tyr215Cys (NM_001348732.2, NM_001348735.2, NM_001348738.2 and 3 more transcripts); c.518A>G, p.Tyr173Cys (NM_001348736.2); short protein forms Y173C, Y215C, Y216C.
Identifiers: ClinVar variation 2433117 (VCV002433117.5), dbSNP rs753935388, ClinGen allele CA1520370.

ClinVar aggregate classification (germline): Conflicting classifications of pathogenicity. Review status: criteria provided, conflicting classifications (1 of 4 stars). 3 submissions from 3 submitters: Uncertain significance (2); Likely benign (1). Last evaluated 2025-09-22.

Conditions:
Inborn genetic diseases. Identifiers: MedGen C0950123, MeSH D030342.
KIDINS220-related disorder. Also called: KIDINS220-related condition.

Allele frequency attached by ClinVar (database versions not stated): TOPMed 0.00001; gnomAD exomes 0.00004; ExAC 0.00005.
gnomAD v4.1: 52 of 1,612,334 alleles (0.0032%); highest among the groups gnomAD compares: South Asian, 0.051%; no homozygotes.

Submissions (3):

Ambry Genetics
Classification: Likely benign for Inborn genetic diseases. Last evaluated: 2025-09-22. Review status: criteria provided, single submitter. Criteria: Ambry Variant Classification Scheme 2023. Collection method: clinical testing. Allele origin: germline.

PreventionGenetics, part of Exact Sciences
Classification: Uncertain significance for KIDINS220-related condition. Last evaluated: 2023-06-20. Review status: criteria provided, single submitter. Criteria: ACMG Guidelines, 2015. Collection method: clinical testing. Allele origin: germline.
Comment: The KIDINS220 c.644A>G variant is predicted to result in the amino acid substitution p.Tyr215Cys. To our knowledge, this variant has not been reported in the literature. This variant is reported in 0.043% of alleles in individuals of South Asian descent in gnomAD. At this time, the clinical significance of this variant is uncertain due to the absence of conclusive functional and genetic evidence.

Revvity Omics, Revvity
Classification: Uncertain significance. Last evaluated: 2021-01-05. Review status: criteria provided, single submitter. Criteria: ACMG Guidelines, 2015. Collection method: clinical testing. Allele origin: germline.